The following is an entry in ClinVar:

ClinVar aggregate classification (germline): Uncertain significance (1 of 4 stars; one submission).

Conditions:
Neurodevelopmental disorder with impaired language and ataxia and with or without seizures. Identifiers: MedGen C5562006, MONDO:0859201, OMIM 619580.

Submission:

Neuberg Centre For Genomic Medicine, NCGM
Classification: Uncertain significance for Neurodevelopmental disorder with impaired language and ataxia and with or without seizures. Last evaluated: 2023-06-22. Review status: criteria provided, single submitter. Criteria: ACMG Guidelines, 2015. Collection method: clinical testing. Allele origin: germline. Inheritance: Autosomal dominant inheritance. Affected: yes.
Comment: The observed missense variant c.1411T>A(p.Ser471Thr) in GRIK2 gene has not been reported previously as a pathogenic variant nor as a benign variant, to our knowledge. This variant is absent in gnomAD Exomes. The amino acid Ser at position 471 is changed to a Thr changing protein sequence and it might alter its composition and physico-chemical properties. Computational evidence (Polyphen-Benign, SIFT-Damaging and MutationTaster-disease causing) predicts conflicting evidence on protein structure and function for this variant.The reference amino acid p.Ser471Thr in GRIK2 is predicted as conserved by GERP++ and PhyloP across 100 vertebrates. For these reasons, this variant has been classified as Uncertain Significance.

NM_021956.5(GRIK2):c.1411T>A (p.Ser471Thr)

Gene: GRIK2 (glutamate ionotropic receptor kainate type subunit 2; plus strand). Cytogenetic location: 6q16.3.
Variant type: single nucleotide variant.
Coding change: c.1411T>A on transcript NM_021956.5 (MANE Select); coding-DNA position 1411, T replaced by A.
Protein change: p.Ser471Thr; replaces serine 471 with threonine.
Molecular consequence: missense variant.
Genome position (GRCh38, 1-based): chr6:101,859,380, T>A. VCF-style: chr6-101859380-T-A. GRCh37 (hg19) VCF-style: chr6-102307255-T-A.
Other names: c.1411T>A, p.Ser471Thr (NM_001166247.1, NM_175768.3); short protein forms S471T.
Identifiers: ClinVar variation 3731443 (VCV003731443.1).